The following is an entry in ClinVar:

NM_002335.4(LRP5):c.3231G>C (p.Glu1077Asp)

Gene: LRP5 (LDL receptor related protein 5; plus strand). Cytogenetic location: 11q13.2.
Variant type: single nucleotide variant.
Coding change: c.3231G>C on transcript NM_002335.4 (MANE Select); coding-DNA position 3231, G replaced by C.
Protein change: p.Glu1077Asp; replaces glutamic acid 1077 with aspartic acid.
Molecular consequence: missense variant.
Genome position (GRCh38, 1-based): chr11:68,423,692, G>C. VCF-style: chr11-68423692-G-C. GRCh37 (hg19) VCF-style: chr11-68191160-G-C.
Other names: c.3231G>C (NM_002335.3, NM_002335.2); c.1488G>C, p.Glu496Asp (NM_001291902.2); short protein forms E496D, E1077D.
Identifiers: ClinVar variation 2719297 (VCV002719297.5), dbSNP rs755040631, ClinGen allele CA6149886.

ClinVar aggregate classification (germline): Uncertain significance. Review status: criteria provided, multiple submitters, no conflicts (2 of 4 stars). 3 submissions from 3 submitters: Uncertain significance (3). Last evaluated 2025-12-03.

Conditions:
Inborn genetic diseases. Identifiers: MedGen C0950123, MeSH D030342.
LRP5-related disorder. Also called: LRP5-related condition.

Allele frequency attached by ClinVar (database versions not stated): gnomAD exomes below 0.00001; ExAC 0.00003.
gnomAD v4.1: 6 of 1,609,608 alleles (0.00037%); highest among the groups gnomAD compares: African/African-American, 0.008%; no homozygotes.

Submissions (3):

Labcorp Genetics (formerly Invitae), Labcorp
Classification: Uncertain significance. Last evaluated: 2025-12-03. Review status: criteria provided, single submitter. Criteria: Invitae Variant Classification Sherloc (09022015). Collection method: clinical testing. Allele origin: germline.
Comment: This sequence change replaces glutamic acid, which is acidic and polar, with aspartic acid, which is acidic and polar, at codon 1077 of the LRP5 protein (p.Glu1077Asp). This variant is present in population databases (rs755040631, gnomAD 0.01%). This variant has not been reported in the literature in individuals affected with LRP5-related conditions. ClinVar contains an entry for this variant (Variation ID: 2719297). Invitae Evidence Modeling of protein sequence and biophysical properties (such as structural, functional, and spatial information, amino acid conservation, physicochemical variation, residue mobility, and thermodynamic stability) indicates that this missense variant is not expected to disrupt LRP5 protein function with a negative predictive value of 95%. In summary, the available evidence is currently insufficient to determine the role of this variant in disease. Therefore, it has been classified as a Variant of Uncertain Significance.

Ambry Genetics
Classification: Uncertain significance for Inborn genetic diseases. Last evaluated: 2025-10-22. Review status: criteria provided, single submitter. Criteria: Ambry Variant Classification Scheme 2023. Collection method: clinical testing. Allele origin: germline.

PreventionGenetics, part of Exact Sciences
Classification: Uncertain significance for LRP5-related condition. Last evaluated: 2024-12-03. Review status: criteria provided, single submitter. Criteria: ACMG Guidelines, 2015. Collection method: clinical testing. Allele origin: germline.
Comment: The LRP5 c.3231G>C variant is predicted to result in the amino acid substitution p.Glu1077Asp. To our knowledge, this variant has not been reported in the literature. This variant is reported in 0.012% of alleles in individuals of African descent in gnomAD. At this time, the clinical significance of this variant is uncertain due to the absence of conclusive functional and genetic evidence.